The following is an entry in ClinVar:

NM_020937.4(FANCM):c.2212C>T (p.Leu738=)

Gene: FANCM (FA complementation group M; plus strand). Cytogenetic location: 14q21.2.
Variant type: single nucleotide variant.
Coding change: c.2212C>T on transcript NM_020937.4 (MANE Select); coding-DNA position 2212, C replaced by T.
Protein change: p.Leu738=; no amino-acid change (leucine 738 retained).
Molecular consequence: synonymous variant.
Genome position (GRCh38, 1-based): chr14:45,173,106, C>T. VCF-style: chr14-45173106-C-T. GRCh37 (hg19) VCF-style: chr14-45642309-C-T.
Other names: c.2134C>T, p.Leu712= (NM_001308133.2); c.2212C>T (NM_020937.3, NM_020937.2).
Identifiers: ClinVar variation 1106665 (VCV001106665.12), dbSNP rs2139234741, ClinGen allele CA486140277.
Genomic context (GRCh38, chr14:45,173,106, plus strand): 5'-ATAATTAAGGCTCAAGAATCAACCACTGGAATTCATCAACTCTCTCTCTCTGAATGGAGA[C>T]TGTGGCAAGATCATCCTTTGCCTACACATCAAGTTGATCACTCAGATCGATGCCGCCATT-3'
Protein context (NP_065988.1, residues 728-748): IHQLSLSEWR[Leu738=]WQDHPLPTHQ

ClinVar aggregate classification (germline): Likely benign. Review status: criteria provided, multiple submitters, no conflicts (2 of 4 stars). 3 submissions from 3 submitters: Likely benign (2). 1 of the submissions does not count toward it. Last evaluated 2024-12-10.

Conditions:
Inborn genetic diseases. Identifiers: MedGen C0950123, MeSH D030342.
FANCM-related disorder. Also called: FANCM-related condition.
Fanconi anemia (FA). Also called: Fanconi's anemia. Identifiers: Orphanet 84, MedGen C0015625, MeSH D005199, MONDO:0019391.

Allele frequency attached by ClinVar (database versions not stated): gnomAD 0.00001; gnomAD exomes 0.00001.
gnomAD v4.1: 20 of 1,611,138 alleles (0.0012%); highest among the groups gnomAD compares: Non-Finnish European, 0.0017%; no homozygotes.

Submissions (3):

Ambry Genetics
Classification: Likely benign for Inborn genetic diseases. Last evaluated: 2024-12-10. Review status: criteria provided, single submitter. Criteria: Ambry Variant Classification Scheme 2023. Collection method: clinical testing. Allele origin: germline.

Labcorp Genetics (formerly Invitae), Labcorp
Classification: Likely benign for Fanconi anemia. Last evaluated: 2024-02-14. Review status: criteria provided, single submitter. Criteria: Invitae Variant Classification Sherloc (09022015). Collection method: clinical testing. Allele origin: germline.

PreventionGenetics, part of Exact Sciences
Classification: Likely benign for FANCM-related condition. Last evaluated: 2019-02-28. Review status: no assertion criteria provided. Collection method: clinical testing. Allele origin: germline. Not counted in ClinVar's aggregate classification.
Comment: This variant is classified as likely benign based on ACMG/AMP sequence variant interpretation guidelines (Richards et al. 2015 PMID: 25741868, with internal and published modifications).